The following is an entry in ClinVar:

ClinVar aggregate classification (germline): Uncertain significance (1 of 4 stars; one submission).

Conditions:
Primary ciliary dyskinesia. Also called: Ciliary dyskinesia. Identifiers: Orphanet 244, MedGen C0008780, MONDO:0016575, HP:0012265.

Submission:

Labcorp Genetics (formerly Invitae), Labcorp
Classification: Uncertain significance for Primary ciliary dyskinesia. Last evaluated: 2022-04-12. Review status: criteria provided, single submitter. Criteria: Invitae Variant Classification Sherloc (09022015). Collection method: clinical testing. Allele origin: germline.
Comment: In summary, the available evidence is currently insufficient to determine the role of this variant in disease. Therefore, it has been classified as a Variant of Uncertain Significance. Algorithms developed to predict the effect of sequence changes on RNA splicing suggest that this variant may create or strengthen a splice site. Algorithms developed to predict the effect of missense changes on protein structure and function are either unavailable or do not agree on the potential impact of this missense change (SIFT: "Tolerated"; PolyPhen-2: "Probably Damaging"; Align-GVGD: "Class C0"). This variant has not been reported in the literature in individuals affected with DNAH11-related conditions. This variant is not present in population databases (gnomAD no frequency). This sequence change replaces arginine, which is basic and polar, with serine, which is neutral and polar, at codon 1606 of the DNAH11 protein (p.Arg1606Ser).

NM_001277115.2(DNAH11):c.4818G>C (p.Arg1606Ser)

Gene: DNAH11 (dynein axonemal heavy chain 11; plus strand). Cytogenetic location: 7p15.3.
Variant type: single nucleotide variant.
Coding change: c.4818G>C on transcript NM_001277115.2 (MANE Select); coding-DNA position 4818, G replaced by C.
Protein change: p.Arg1606Ser; replaces arginine 1606 with serine.
Molecular consequence: missense variant.
Genome position (GRCh38, 1-based): chr7:21,638,939, G>C. VCF-style: chr7-21638939-G-C. GRCh37 (hg19) VCF-style: chr7-21678557-G-C.
Other names: c.4833G>C, p.Arg1611Ser (NM_003777.3); short protein forms R1606S, R1611S.
Identifiers: ClinVar variation 2125024 (VCV002125024.4), dbSNP rs757299381, ClinGen allele CA366934296.